The following is an entry in ClinVar:

ClinVar aggregate classification (germline): Benign. Review status: criteria provided, multiple submitters, no conflicts (2 of 4 stars). 12 submissions from 11 submitters: Benign (11). 1 of the submissions does not count toward it. Last evaluated 2026-05-08.

Conditions:
Ellis-van Creveld syndrome (EVC). Also called: Chondroectodermal dysplasia; MESOECTODERMAL DYSPLASIA. Identifiers: Orphanet 289, MedGen C0013903, MONDO:0009162, OMIM 225500.
Curry-Hall syndrome (WAD). Also called: WEYERS ACRODENTAL DYSOSTOSIS. Identifiers: Orphanet 952, MedGen C0457013, MONDO:0008673, OMIM 193530.

Allele frequency attached by ClinVar (database versions not stated): 1000 Genomes Project 0.59305; 1000 Genomes Project 30x 0.59557; gnomAD exomes 0.62122 and 0.66672; ExAC 0.62946; TOPMed 0.65602; gnomAD 0.66399 and 0.67122; ESP Exome Variant Server 0.70022.
gnomAD v4.1: 1,074,786 of 1,613,168 alleles (67%); highest among the groups gnomAD compares: African/African-American, 71%; 362,604 homozygotes.

Submissions (12):

Women's Health and Genetics/Laboratory Corporation of America, LabCorp
Classification: Benign. Last evaluated: 2026-05-08. Review status: criteria provided, single submitter. Criteria: LabCorp Variant Classification Summary - May 2015. Collection method: clinical testing. Allele origin: germline.

Labcorp Genetics (formerly Invitae), Labcorp
Classification: Benign for Curry-Hall syndrome; Ellis-van Creveld syndrome. Last evaluated: 2026-02-04. Review status: criteria provided, single submitter. Criteria: Invitae Variant Classification Sherloc (09022015). Collection method: clinical testing. Allele origin: germline.

Blueprint Genetics
Classification: Benign. Last evaluated: 2024-11-26. Review status: criteria provided, single submitter. Criteria: ACMG Guidelines, 2015. Collection method: clinical testing. Allele origin: germline.

Genome-Nilou Lab
Classification: Benign for Curry-Hall syndrome. Last evaluated: 2021-07-30. Review status: criteria provided, single submitter. Criteria: ACMG Guidelines, 2015. Collection method: clinical testing. Allele origin: germline. Affected: no.

Genome-Nilou Lab
Classification: Benign for Ellis-van Creveld syndrome. Last evaluated: 2021-07-30. Review status: criteria provided, single submitter. Criteria: ACMG Guidelines, 2015. Collection method: clinical testing. Allele origin: germline. Affected: no.

Pars Genome Lab
Classification: Benign for Ellis-van Creveld syndrome. Last evaluated: 2021-06-15. Review status: criteria provided, single submitter. Criteria: ACMG Guidelines, 2015. Collection method: clinical testing. Allele origin: germline. Affected: no.

Eurofins Ntd Llc (ga)
Classification: Benign. Last evaluated: 2018-03-02. Review status: criteria provided, single submitter. Criteria: EGL ClinVar v180209 classification definitions. Collection method: clinical testing. Allele origin: germline. Observed: 1 variant allele, 1 heterozygote.

Illumina Laboratory Services, Illumina
Classification: Benign for Ellis-van Creveld syndrome. Last evaluated: 2018-01-13. Review status: criteria provided, single submitter. Criteria: ICSL Variant Classification Criteria 13 December 2019. Collection method: clinical testing. Allele origin: germline.
Comment: This variant was observed in the ICSL laboratory as part of a predisposition screen in an ostensibly healthy population. It had not been previously curated by ICSL or reported in the Human Gene Mutation Database (HGMD: prior to June 1st, 2018), and was therefore a candidate for classification through an automated scoring system. Utilizing variant allele frequency, disease prevalence and penetrance estimates, and inheritance mode, an automated score was calculated to assess if this variant is too frequent to cause the disease. Based on the score and internal cut-off values, a variant classified as benign is not then subjected to further curation. The score for this variant resulted in a classification of benign for this disease.

GeneDx
Classification: Benign. Last evaluated: 2016-03-03. Review status: criteria provided, single submitter. Criteria: GeneDx Variant Classification (06012015). Collection method: clinical testing. Allele origin: germline. Affected: yes.
Comment: This variant is considered likely benign or benign based on one or more of the following criteria: it is a conservative change, it occurs at a poorly conserved position in the protein, it is predicted to be benign by multiple in silico algorithms, and/or has population frequency not consistent with disease.

Breakthrough Genomics
Classification: Benign. Review status: criteria provided, single submitter. Criteria: ACMG Guidelines, 2015. Collection method: not provided. Allele origin: germline. Inheritance: Autosomal recessive inheritance. Affected: yes.

PreventionGenetics, part of Exact Sciences
Classification: Benign. Review status: criteria provided, single submitter. Criteria: ACMG Guidelines, 2015. Collection method: clinical testing. Allele origin: germline.

Natera, Inc.
Classification: Benign for Ellis-van Creveld syndrome. Last evaluated: 2020-09-16. Review status: no assertion criteria provided. Collection method: clinical testing. Allele origin: germline. Not counted in ClinVar's aggregate classification.

NM_153717.3(EVC):c.939+10A>G

Gene: EVC (EvC ciliary complex subunit 1; plus strand). Cytogenetic location: 4p16.2.
Variant type: single nucleotide variant.
Coding change: c.939+10A>G on transcript NM_153717.3 (MANE Select); 10 bases into the intron after coding-DNA position 939, A replaced by G.
Molecular consequence: intron variant.
Genome position (GRCh38, 1-based): chr4:5,745,351, A>G. VCF-style: chr4-5745351-A-G. GRCh37 (hg19) VCF-style: chr4-5747078-A-G.
Other names: c.939+10A>G (NM_001306090.2, NM_001306092.2).
Identifiers: ClinVar variation 262784 (VCV000262784.27), dbSNP rs2286342, ClinGen allele CA2835920.